The following is an entry in ClinVar:

ClinVar aggregate classification (germline): Conflicting classifications of pathogenicity. Review status: criteria provided, conflicting classifications (1 of 4 stars). 2 submissions from 2 submitters: Uncertain significance (1); Likely benign (1). Last evaluated 2025-08-17.

Conditions:
Familial thoracic aortic aneurysm and aortic dissection (TAAD). Also called: Thoracic aortic aneurysms and dissections. Identifiers: Orphanet 91387, MedGen C4707243, MONDO:0019625.
Aortic aneurysm, familial thoracic 4 (AAT4). Also called: AORTIC ANEURYSM/AORTIC DISSECTION AND PATENT DUCTUS ARTERIOSUS. Identifiers: MedGen C1851504, MONDO:0007568, OMIM 132900.

Allele frequency attached by ClinVar (database versions not stated): gnomAD exomes below 0.00001 and 0.00001.
gnomAD v4.1: 9 of 1,614,056 alleles (0.00056%); highest among the groups gnomAD compares: East Asian, 0.0045%; no homozygotes.

Submissions (2):

Labcorp Genetics (formerly Invitae), Labcorp
Classification: Uncertain significance for Aortic aneurysm, familial thoracic 4. Last evaluated: 2025-08-17. Review status: criteria provided, single submitter. Criteria: Invitae Variant Classification Sherloc (09022015). Collection method: clinical testing. Allele origin: germline.
Comment: This sequence change affects codon 1533 of the MYH11 mRNA. It is a 'silent' change, meaning that it does not change the encoded amino acid sequence of the MYH11 protein. It affects a nucleotide within the consensus splice site. This variant is present in population databases (no rsID available, gnomAD 0.003%). This variant has not been reported in the literature in individuals affected with MYH11-related conditions. ClinVar contains an entry for this variant (Variation ID: 922910). Algorithms developed to predict the effect of sequence changes on RNA splicing suggest that this variant is not likely to affect RNA splicing. In summary, the available evidence is currently insufficient to determine the role of this variant in disease. Therefore, it has been classified as a Variant of Uncertain Significance.

Color Diagnostics, LLC DBA Color Health
Classification: Likely benign for Familial thoracic aortic aneurysm and aortic dissection. Last evaluated: 2019-01-20. Review status: criteria provided, single submitter. Criteria: ACMG Guidelines, 2015. Collection method: clinical testing. Allele origin: germline.

NM_002474.3(MYH11):c.4578C>T (p.Asn1526=)

Genes: MYH11 (myosin heavy chain 11; minus strand), NDE1 (nudE neurodevelopment protein 1; plus strand). Cytogenetic location: 16p13.11.
Variant type: single nucleotide variant.
Coding change: c.4578C>T on transcript NM_002474.3 (MANE Select); coding-DNA position 4578, C replaced by T.
Protein change: p.Asn1526=; no amino-acid change (asparagine 1526 retained).
Molecular consequence: synonymous variant. On other transcripts: intron variant (2).
Genome position (GRCh38, 1-based): chr16:15,721,422, G>A on the plus strand (C>T on the coding strand, the complement: MYH11 is on the minus strand). VCF-style: chr16-15721422-G-A. GRCh37 (hg19) VCF-style: chr16-15815279-G-A.
Other names: c.4578C>T, p.Asn1526= (NM_022844.3); c.948-2769G>A (NM_001143979.2, NM_017668.3); c.4599C>T, p.Asn1533= (NM_001040113.2, NM_001040114.2).
Identifiers: ClinVar variation 922910 (VCV000922910.9), dbSNP rs1186932787, ClinGen allele CA494087588.